The following is an entry in ClinVar:

NM_001354604.2(MITF):c.999del (p.Glu333fs)

Gene: MITF (melanocyte inducing transcription factor; plus strand). Cytogenetic location: 3p13.
Variant type: Deletion.
Coding change: c.999del on transcript NM_001354604.2 (MANE Select); coding-DNA position 999, one base deleted (A; older notation c.999delA).
Protein change: p.Glu333fs; shifts the reading frame from glutamic acid 333.
Molecular consequence: frameshift variant.
Genome position (GRCh38, 1-based): chr3:69,956,498, A deleted; the last of 2 consecutive A bases (chr3:69,956,497-69,956,498); deleting either gives the same sequence. VCF-style (leftmost placement, unchanged base first): chr3-69956496-GA-G. GRCh37 (hg19) VCF-style: chr3-70005647-GA-G.
Other names: c.678del, p.Glu226fs (NM_000248.4); c.825del, p.Glu275fs (NM_001184967.2, NM_001354608.2); c.996del, p.Glu332fs (NM_001354605.2); c.978del, p.Glu326fs (NM_001354606.2, NM_006722.3); c.930del, p.Glu310fs (NM_001354607.2); c.660del, p.Glu220fs (NM_198158.3); c.981del, p.Glu327fs (NM_198159.3); c.933del, p.Glu311fs (NM_198177.3); and 1 more; short protein forms E220fs, E275fs, E310fs, E226fs, E326fs, E327fs, E333fs, E311fs.
Identifiers: ClinVar variation 4785364 (VCV004785364.1).

ClinVar aggregate classification (germline): Pathogenic (1 of 4 stars; one submission).

Conditions:
Melanoma, cutaneous malignant, susceptibility to, 8. Also called: MELANOMA AND RENAL CELL CARCINOMA, SUSCEPTIBILITY TO; Cutaneous malignant melanoma 8. Identifiers: Orphanet 293822, MedGen C3152204, MONDO:0013759, OMIM 614456.
Tietz syndrome (TADS). Also called: TIETZ ALBINISM-DEAFNESS SYNDROME; ALBINISM-DEAFNESS OF TIETZ; HYPOPIGMENTATION/DEAFNESS OF TIETZ. Identifiers: Orphanet 42665, MedGen C0391816, MONDO:0007077, OMIM 103500.
Waardenburg syndrome type 2A (WS2A). Also called: WAARDENBURG SYNDROME WITHOUT DYSTOPIA CANTHORUM. Identifiers: Orphanet 3440, MedGen C1860339, MONDO:0008671, OMIM 193510.

Submission:

Labcorp Genetics (formerly Invitae), Labcorp
Classification: Pathogenic for Melanoma, cutaneous malignant, susceptibility to, 8; Waardenburg syndrome type 2A; Tietz syndrome. Last evaluated: 2025-06-22. Review status: criteria provided, single submitter. Criteria: Invitae Variant Classification Sherloc (09022015). Collection method: clinical testing. Allele origin: germline.
Comment: This sequence change creates a premature translational stop signal (p.Glu226Aspfs*2) in the MITF gene. It is expected to result in an absent or disrupted protein product. Loss-of-function variants in MITF are known to be pathogenic (PMID: 8659547, 20127975). This variant is not present in population databases (gnomAD no frequency). This variant has not been reported in the literature in individuals affected with MITF-related conditions. For these reasons, this variant has been classified as Pathogenic.

Literature cited by the submitters: PubMed 8659547; PubMed 20127975.